The following is an entry in ClinVar:

NM_006892.4(DNMT3B):c.1136C>T (p.Thr379Ile)

Gene: DNMT3B (DNA methyltransferase 3 beta; plus strand). Cytogenetic location: 20q11.21.
Variant type: single nucleotide variant.
Coding change: c.1136C>T on transcript NM_006892.4 (MANE Select); coding-DNA position 1136, C replaced by T.
Protein change: p.Thr379Ile; replaces threonine 379 with isoleucine.
Molecular consequence: missense variant.
Genome position (GRCh38, 1-based): chr20:32,795,418, C>T. VCF-style: chr20-32795418-C-T. GRCh37 (hg19) VCF-style: chr20-31383224-C-T.
Other names: c.950C>T, p.Thr317Ile (NM_001207055.2); c.848C>T, p.Thr283Ile (NM_001207056.2); c.1076C>T, p.Thr359Ile (NM_175848.2, NM_175849.2); c.1112C>T, p.Thr371Ile (NM_175850.3); short protein forms T283I, T317I, T359I, T371I, T379I.
Identifiers: ClinVar variation 949700 (VCV000949700.7), dbSNP rs1361035589, ClinGen allele CA408585075.

ClinVar aggregate classification (germline): Uncertain significance (1 of 4 stars; one submission).

Conditions:
Centromeric instability of chromosomes 1,9 and 16 and immunodeficiency (ICF1). Also called: Immunodeficiency-centromeric instability-facial anomalies; CENTROMERIC INSTABILITY, IMMUNODEFICIENCY SYNDROME; IMMUNE DEFICIENCY, VARIABLE, WITH CENTROMERIC INSTABILITY OF CHROMOSOMES 1, 9, AND 16; IMMUNODEFICIENCY SYNDROME, VARIABLE. Identifiers: Orphanet 2268, MedGen C0398788, MONDO:0000133.

Allele frequency attached by ClinVar (database versions not stated): gnomAD exomes below 0.00001; gnomAD 0.00001; TOPMed 0.00001.
gnomAD v4.1: 3 of 1,613,942 alleles (0.00019%); highest among the groups gnomAD compares: East Asian, 0.0022%; no homozygotes.

Submission:

Labcorp Genetics (formerly Invitae), Labcorp
Classification: Uncertain significance for Centromeric instability of chromosomes 1,9 and 16 and immunodeficiency. Last evaluated: 2021-08-28. Review status: criteria provided, single submitter. Criteria: Invitae Variant Classification Sherloc (09022015). Collection method: clinical testing. Allele origin: germline.
Comment: This sequence change replaces threonine with isoleucine at codon 379 of the DNMT3B protein (p.Thr379Ile). The threonine residue is moderately conserved and there is a moderate physicochemical difference between threonine and isoleucine. This variant is not present in population databases (ExAC no frequency). This variant has not been reported in the literature in individuals affected with DNMT3B-related conditions. Algorithms developed to predict the effect of missense changes on protein structure and function (SIFT, PolyPhen-2, Align-GVGD) all suggest that this variant is likely to be tolerated. In summary, the available evidence is currently insufficient to determine the role of this variant in disease. Therefore, it has been classified as a Variant of Uncertain Significance.